The following is an entry in ClinVar:

ClinVar aggregate classification (germline): Uncertain significance (1 of 4 stars; one submission).

Conditions:
Hereditary cancer-predisposing syndrome. Also called: Neoplastic Syndromes, Hereditary; Tumor predisposition; Hereditary neoplastic syndrome; Hereditary Cancer Syndrome. Identifiers: Orphanet 140162, MedGen C0027672, MeSH D009386, MONDO:0015356.

Submission:

Ambry Genetics
Classification: Uncertain significance for Hereditary cancer-predisposing syndrome. Last evaluated: 2026-07-22. Review status: criteria provided, single submitter. Criteria: Ambry Variant Classification Scheme 2023. Collection method: clinical testing. Allele origin: germline.
Comment: The p.G1120A variant (also known as c.3359G>C), located in coding exon 15 of the APC gene, results from a G to C substitution at nucleotide position 3359. The glycine at codon 1120 is replaced by alanine, an amino acid with similar properties. This amino acid position is well conserved in available vertebrate species. In addition, in silico predictors for this gene do not accurately predict pathogenicity. Missense variants in APC are not a common cause of disease (Spier I et al. Genet Med. 2024 Feb;26(2):100992). Based on the available evidence, the clinical significance of this variant remains unclear.

NM_000038.6(APC):c.3359G>C (p.Gly1120Ala)

Gene: APC (APC regulator of Wnt signaling pathway; plus strand). Cytogenetic location: 5q22.2.
Variant type: single nucleotide variant.
Coding change: c.3359G>C on transcript NM_000038.6 (MANE Select); coding-DNA position 3359, G replaced by C.
Protein change: p.Gly1120Ala; replaces glycine 1120 with alanine.
Molecular consequence: missense variant. On other transcripts: non-coding transcript variant (2).
Genome position (GRCh38, 1-based): chr5:112,838,953, G>C. VCF-style: chr5-112838953-G-C. GRCh37 (hg19) VCF-style: chr5-112174650-G-C.
Other names: c.3359G>C, p.Gly1120Ala (NM_001127510.3, NM_001354895.2, NM_001407450.1); c.3305G>C, p.Gly1102Ala (NM_001127511.3); c.3413G>C, p.Gly1138Ala (NM_001354896.2, NM_001407447.1, NM_001407448.1 and 1 more transcripts); c.3389G>C, p.Gly1130Ala (NM_001354897.2); c.3284G>C, p.Gly1095Ala (NM_001354898.2); c.3275G>C, p.Gly1092Ala (NM_001354899.2); c.3236G>C, p.Gly1079Ala (NM_001354900.2); c.3182G>C, p.Gly1061Ala (NM_001354901.2, NM_001407453.1); and 11 more; short protein forms G1113A, G1130A, G960A, G1019A, G1037A, G1061A, G837A, G1092A.
Identifiers: ClinVar variation 5025511 (VCV005025511.1).